The following is an entry in ClinVar:

ClinVar aggregate classification (germline): Uncertain significance (1 of 4 stars; one submission).

Conditions:
Myoclonic dystonia 11 (DYT11). Also called: DYT-SGCE; Myoclonic dystonia; Dystonia 11; Dystonia, alcohol responsive; Hereditary essential myoclonus; SGCE Myoclonus-Dystonia. Identifiers: Orphanet 36899, MedGen C1834570, MONDO:0008044, OMIM 159900.

Submission:

Labcorp Genetics (formerly Invitae), Labcorp
Classification: Uncertain significance for Myoclonic dystonia 11. Last evaluated: 2021-03-03. Review status: criteria provided, single submitter. Criteria: Invitae Variant Classification Sherloc (09022015). Collection method: clinical testing. Allele origin: germline.
Comment: This sequence change replaces valine with isoleucine at codon 179 of the SGCE protein (p.Val179Ile). The valine residue is highly conserved and there is a small physicochemical difference between valine and isoleucine. This variant is not present in population databases (ExAC no frequency). This variant has not been reported in the literature in individuals with SGCE-related conditions. Algorithms developed to predict the effect of missense changes on protein structure and function are either unavailable or do not agree on the potential impact of this missense change (SIFT: "Tolerated"; PolyPhen-2: "Possibly Damaging"; Align-GVGD: "Class C0"). In summary, the available evidence is currently insufficient to determine the role of this variant in disease. Therefore, it has been classified as a Variant of Uncertain Significance.

NM_003919.3(SGCE):c.535G>A (p.Val179Ile)

Genes: CASD1 (CAS1 domain sialic acid O acetyltransferase 1; plus strand), SGCE (sarcoglycan epsilon; minus strand). Cytogenetic location: 7q21.3.
Variant type: single nucleotide variant.
Coding change: c.535G>A on transcript NM_003919.3 (MANE Select); coding-DNA position 535, G replaced by A.
Protein change: p.Val179Ile; replaces valine 179 with isoleucine.
Molecular consequence: missense variant.
Genome position (GRCh38, 1-based): chr7:94,618,885, C>T on the plus strand (G>A on the coding strand, the complement: SGCE is on the minus strand). VCF-style: chr7-94618885-C-T. GRCh37 (hg19) VCF-style: chr7-94248197-C-T.
Other names: c.535G>A, p.Val179Ile (NM_001099400.2, NM_001099401.2, NM_001346717.2); c.412G>A, p.Val138Ile (NM_001301139.2, NM_001362809.2); c.643G>A, p.Val215Ile (NM_001346713.2, NM_001346715.2); c.448G>A, p.Val150Ile (NM_001346719.2, NM_001362807.2); c.262G>A, p.Val88Ile (NM_001346720.2, NM_001362808.2); short protein forms V138I, V88I, V179I, V215I, V150I.
Identifiers: ClinVar variation 1369493 (VCV001369493.8), dbSNP rs762854508, ClinGen allele CA368235689.
Genomic context (GRCh38, chr7:94,618,885, plus strand): 5'-TGGCGTTCAGGCGCTCTGGCTGCCACACATTTTTCACTGCGCCAAGAAAGTCTCCAAGAA[C>T]CTCACTGGCCAACATTTCTTCTACATTCATATTCTTAATGAAGAATTCTGCTTGATATGG-3'
Protein context (NP_003910.1, residues 169-189): MNVEEMLASE[Val179Ile]LGDFLGAVKN